The following is an entry in ClinVar:

ClinVar aggregate classification (germline): Uncertain significance (1 of 4 stars; one submission).

Conditions:
Familial hypocalciuric hypercalcemia (FHH). Also called: Familial benign hypercalcemia. Identifiers: Orphanet 405, MedGen C1809471, MONDO:0018458.
Autosomal dominant hypocalcemia 1 (HYPOC1). Also called: HYPOCALCEMIA, FAMILIAL. Identifiers: MedGen C3715128, MONDO:0011013, OMIM 601198.

Allele frequency attached by ClinVar (database versions not stated): gnomAD exomes below 0.00001; ExAC 0.00001.
gnomAD v4.1: 3 of 1,611,778 alleles (0.00019%); highest among the groups gnomAD compares: East Asian, 0.0022%; no homozygotes.

Submission:

Labcorp Genetics (formerly Invitae), Labcorp
Classification: Uncertain significance for Familial hypocalciuric hypercalcemia; Autosomal dominant hypocalcemia 1. Last evaluated: 2021-02-03. Review status: criteria provided, single submitter. Criteria: Invitae Variant Classification Sherloc (09022015). Collection method: clinical testing. Allele origin: germline.
Comment: In summary, the available evidence is currently insufficient to determine the role of this variant in disease. Therefore, it has been classified as a Variant of Uncertain Significance. Algorithms developed to predict the effect of missense changes on protein structure and function output the following: SIFT: "Tolerated"; PolyPhen-2: "Benign"; Align-GVGD: "Class C0". The asparagine amino acid residue is found in multiple mammalian species, suggesting that this missense change does not adversely affect protein function. These predictions have not been confirmed by published functional studies and their clinical significance is uncertain. This variant has not been reported in the literature in individuals with CASR-related conditions. This variant is present in population databases (rs764669682, ExAC 0.01%). This sequence change replaces serine with asparagine at codon 531 of the CASR protein (p.Ser531Asn). The serine residue is highly conserved and there is a small physicochemical difference between serine and asparagine.

NM_000388.4(CASR):c.1592G>A (p.Ser531Asn)

Gene: CASR (calcium sensing receptor; plus strand). Cytogenetic location: 3q21.1.
Variant type: single nucleotide variant.
Coding change: c.1592G>A on transcript NM_000388.4 (MANE Select); coding-DNA position 1592, G replaced by A.
Protein change: p.Ser531Asn; replaces serine 531 with asparagine.
Molecular consequence: missense variant.
Genome position (GRCh38, 1-based): chr3:122,276,026, G>A. VCF-style: chr3-122276026-G-A. GRCh37 (hg19) VCF-style: chr3-121994873-G-A.
Other names: c.1592G>A, p.Ser531Asn (NM_001178065.2); short protein forms S531N.
Identifiers: ClinVar variation 1355271 (VCV001355271.8), dbSNP rs764669682, ClinGen allele CA2569683.